The following is an entry in ClinVar:

ClinVar aggregate classification (germline): Uncertain significance. Review status: criteria provided, multiple submitters, no conflicts (2 of 4 stars). 2 submissions from 2 submitters: Uncertain significance (2). Last evaluated 2023-06-11.

Conditions:
Gastrointestinal stromal tumor. Also called: Gastrointestinal stromal tumor, somatic; Gastrointestinal stroma tumor. Identifiers: Orphanet 44890, MedGen C0238198, MeSH D046152, MONDO:0011719, OMIM 606764, HP:0100723.
Hereditary cancer-predisposing syndrome. Also called: Hereditary Cancer Syndrome; Hereditary neoplastic syndrome; Neoplastic Syndromes, Hereditary; Tumor predisposition. Identifiers: Orphanet 140162, MedGen C0027672, MeSH D009386, MONDO:0015356.

gnomAD v4.1: 1 of 1,599,994 alleles (0.000063%); highest among the groups gnomAD compares: Non-Finnish European, 0.000086%; no homozygotes.

Submissions (2):

Ambry Genetics
Classification: Uncertain significance for Hereditary cancer-predisposing syndrome. Last evaluated: 2023-06-11. Review status: criteria provided, single submitter. Criteria: Ambry Variant Classification Scheme 2023. Collection method: clinical testing. Allele origin: germline.
Comment: The p.S404T variant (also known as c.1211G>C), located in coding exon 7 of the PDGFRA gene, results from a G to C substitution at nucleotide position 1211. The serine at codon 404 is replaced by threonine, an amino acid with similar properties. This amino acid position is conserved. In addition, this alteration is predicted to be tolerated by in silico analysis. Since supporting evidence is limited at this time, the clinical significance of this alteration remains unclear.

Labcorp Genetics (formerly Invitae), Labcorp
Classification: Uncertain significance for Gastrointestinal stromal tumor. Last evaluated: 2022-12-16. Review status: criteria provided, single submitter. Criteria: Invitae Variant Classification Sherloc (09022015). Collection method: clinical testing. Allele origin: germline.
Comment: This sequence change replaces serine, which is neutral and polar, with threonine, which is neutral and polar, at codon 404 of the PDGFRA protein (p.Ser404Thr). This variant is not present in population databases (gnomAD no frequency). This variant has not been reported in the literature in individuals affected with PDGFRA-related conditions. Advanced modeling of protein sequence and biophysical properties (such as structural, functional, and spatial information, amino acid conservation, physicochemical variation, residue mobility, and thermodynamic stability) performed at Invitae indicates that this missense variant is not expected to disrupt PDGFRA protein function. In summary, the available evidence is currently insufficient to determine the role of this variant in disease. Therefore, it has been classified as a Variant of Uncertain Significance.

NM_006206.6(PDGFRA):c.1211G>C (p.Ser404Thr)

Gene: PDGFRA (platelet derived growth factor receptor alpha; plus strand). Cytogenetic location: 4q12.
Variant type: single nucleotide variant.
Coding change: c.1211G>C on transcript NM_006206.6 (MANE Select); coding-DNA position 1211, G replaced by C.
Protein change: p.Ser404Thr; replaces serine 404 with threonine.
Molecular consequence: missense variant.
Genome position (GRCh38, 1-based): chr4:54,270,722, G>C. VCF-style: chr4-54270722-G-C. GRCh37 (hg19) VCF-style: chr4-55136889-G-C.
Other names: c.1211G>C, p.Ser404Thr (NM_001347827.2, NM_001347829.2); c.1286G>C, p.Ser429Thr (NM_001347828.2); c.1250G>C, p.Ser417Thr (NM_001347830.2); short protein forms S417T, S404T, S429T.
Identifiers: ClinVar variation 2568096 (VCV002568096.5), dbSNP rs1577719688, ClinGen allele CA356892064.